The following is an entry in ClinVar:

ClinVar aggregate classification (germline): Uncertain significance (1 of 4 stars; one submission).

Allele frequency attached by ClinVar (database versions not stated): gnomAD exomes below 0.00001; gnomAD 0.00001; TOPMed 0.00001.

Submission:

Labcorp Genetics (formerly Invitae), Labcorp
Classification: Uncertain significance. Last evaluated: 2025-07-13. Review status: criteria provided, single submitter. Criteria: Invitae Variant Classification Sherloc (09022015). Collection method: clinical testing. Allele origin: germline.
Comment: This sequence change replaces proline, which is neutral and non-polar, with serine, which is neutral and polar, at codon 336 of the TNFAIP3 protein (p.Pro336Ser). This variant is not present in population databases (gnomAD no frequency). This variant has not been reported in the literature in individuals affected with TNFAIP3-related conditions. ClinVar contains an entry for this variant (Variation ID: 1461512). Invitae Evidence Modeling of protein sequence and biophysical properties (such as structural, functional, and spatial information, amino acid conservation, physicochemical variation, residue mobility, and thermodynamic stability) indicates that this missense variant is expected to disrupt TNFAIP3 protein function with a positive predictive value of 80%. In summary, the available evidence is currently insufficient to determine the role of this variant in disease. Therefore, it has been classified as a Variant of Uncertain Significance.

NM_001270508.2(TNFAIP3):c.1006C>T (p.Pro336Ser)

Gene: TNFAIP3 (TNF alpha induced protein 3; plus strand). Cytogenetic location: 6q23.3.
Variant type: single nucleotide variant.
Coding change: c.1006C>T on transcript NM_001270508.2 (MANE Select); coding-DNA position 1006, C replaced by T.
Protein change: p.Pro336Ser; replaces proline 336 with serine.
Molecular consequence: missense variant.
Genome position (GRCh38, 1-based): chr6:137,878,451, C>T. VCF-style: chr6-137878451-C-T. GRCh37 (hg19) VCF-style: chr6-138199588-C-T.
Other names: c.1006C>T, p.Pro336Ser (NM_001270507.2, NM_006290.4); short protein forms P336S.
Identifiers: ClinVar variation 1461512 (VCV001461512.8), dbSNP rs1162114698, ClinGen allele CA365788107.
Genomic context (GRCh38, chr6:137,878,451, plus strand): 5'-TTTGTGTATTCTCATACATATTTTTTCCTTTTGGTCTTCAGGTTGGATGAAGCTAACTTA[C>T]CAAAAGAAATCAATCTGGTAGATGATTACTTTGAACTTGTTCAGCATGAGTACAAGAAAT-3'
Protein context (NP_001257437.1, residues 326-346): NAAKLDEANL[Pro336Ser]KEINLVDDYF